The following is an entry in ClinVar:

NM_015937.6(PIGT):c.835C>T (p.Arg279Ter)

Gene: PIGT (phosphatidylinositol glycan anchor biosynthesis class T; plus strand). Cytogenetic location: 20q13.12.
Variant type: single nucleotide variant.
Coding change: c.835C>T on transcript NM_015937.6 (MANE Select); coding-DNA position 835, C replaced by T.
Protein change: p.Arg279Ter; replaces arginine 279 with a stop codon.
Molecular consequence: nonsense. On other transcripts: non-coding transcript variant (5).
Genome position (GRCh38, 1-based): chr20:45,420,397, C>T. VCF-style: chr20-45420397-C-T. GRCh37 (hg19) VCF-style: chr20-44049037-C-T.
Other names: c.667C>T, p.Arg223Ter (NM_001184728.3); c.835C>T, p.Arg279Ter (NM_001184729.3); c.529C>T, p.Arg177Ter (NM_001184730.3); short protein forms R177*, R223*, R279*.
Identifiers: ClinVar variation 660514 (VCV000660514.5), dbSNP rs199968454, ClinGen allele CA9878071.

ClinVar aggregate classification (germline): Pathogenic (1 of 4 stars; one submission).

Conditions:
Multiple congenital anomalies-hypotonia-seizures syndrome 3 (MCAHS3). Also called: GLYCOSYLPHOSPHATIDYLINOSITOL BIOSYNTHESIS DEFECT 7. Identifiers: Orphanet 369837, MedGen C3809356, MONDO:0014165, OMIM 615398.

Allele frequency attached by ClinVar (database versions not stated): gnomAD 0.00002; TOPMed 0.00002; ExAC 0.00003; gnomAD exomes 0.00003; 1000 Genomes Project 30x 0.00016; 1000 Genomes Project 0.00020.
gnomAD v4.1: 24 of 1,613,516 alleles (0.0015%); highest among the groups gnomAD compares: African/African-American, 0.0027%; no homozygotes.

Submission:

Labcorp Genetics (formerly Invitae), Labcorp
Classification: Pathogenic for Multiple congenital anomalies-hypotonia-seizures syndrome 3. Last evaluated: 2025-12-20. Review status: criteria provided, single submitter. Criteria: Invitae Variant Classification Sherloc (09022015). Collection method: clinical testing. Allele origin: germline.
Comment: This sequence change creates a premature translational stop signal (p.Arg279*) in the PIGT gene. It is expected to result in an absent or disrupted protein product. Loss-of-function variants in PIGT are known to be pathogenic (PMID: 24906948, 25943031). This variant is present in population databases (rs199968454, gnomAD 0.009%). This variant has not been reported in the literature in individuals affected with PIGT-related conditions. ClinVar contains an entry for this variant (Variation ID: 660514). For these reasons, this variant has been classified as Pathogenic.

Literature cited by the submitters: PubMed 24906948; PubMed 25943031.